The following is an entry in ClinVar:

ClinVar aggregate classification (germline): Uncertain significance (1 of 4 stars; one submission).

Submission:

Labcorp Genetics (formerly Invitae), Labcorp
Classification: Uncertain significance. Last evaluated: 2025-11-03. Review status: criteria provided, single submitter. Criteria: Invitae Variant Classification Sherloc (09022015). Collection method: clinical testing. Allele origin: germline.
Comment: This sequence change replaces tryptophan, which is neutral and slightly polar, with glycine, which is neutral and non-polar, at codon 75 of the ACAN protein (p.Trp75Gly). This variant is not present in population databases (gnomAD no frequency). This variant has not been reported in the literature in individuals affected with ACAN-related conditions. Invitae Evidence Modeling of protein sequence and biophysical properties (such as structural, functional, and spatial information, amino acid conservation, physicochemical variation, residue mobility, and thermodynamic stability) indicates that this missense variant is not expected to disrupt ACAN protein function with a negative predictive value of 80%. In summary, the available evidence is currently insufficient to determine the role of this variant in disease. Therefore, it has been classified as a Variant of Uncertain Significance.

NM_001369268.1(ACAN):c.223T>G (p.Trp75Gly)

Gene: ACAN (aggrecan; plus strand). Cytogenetic location: 15q26.1.
Variant type: single nucleotide variant.
Coding change: c.223T>G on transcript NM_001369268.1 (MANE Select); coding-DNA position 223, T replaced by G.
Protein change: p.Trp75Gly; replaces tryptophan 75 with glycine.
Molecular consequence: missense variant.
Genome position (GRCh38, 1-based): chr15:88,838,815, T>G. VCF-style: chr15-88838815-T-G. GRCh37 (hg19) VCF-style: chr15-89382046-T-G.
Other names: c.223T>G, p.Trp75Gly (NM_001135.4, NM_001411096.1, NM_001411097.1 and 1 more transcripts); short protein forms W75G.
Identifiers: ClinVar variation 4743724 (VCV004743724.1).
Genomic context (GRCh38, chr15:88,838,815, plus strand): 5'-GACCCCATGCACCCTGTGACCACCGCCCCTTCTACCGCCCCACTGGCCCCAAGAATCAAG[T>G]GGAGCCGTGTGTCCAAGGAGAAGGAGGTAGTGCTGCTGGTGGCCACTGAAGGGCGCGTGC-3'
Protein context (NP_001356197.1, residues 65-85): STAPLAPRIK[Trp75Gly]SRVSKEKEVV